The following is an entry in ClinVar:

ClinVar aggregate classification (germline): Uncertain significance. Review status: criteria provided, multiple submitters, no conflicts (2 of 4 stars). 15 submissions from 15 submitters: Uncertain significance (13). 2 of the submissions do not count toward it. Last evaluated 2026-08-27.

Conditions:
Inborn genetic diseases. Identifiers: MedGen C0950123, MeSH D030342.
Wilson disease (WND). Also called: Wilson's disease. Identifiers: Orphanet 905, MedGen C0019202, MONDO:0010200, OMIM 277900. Disease mechanism: loss of function.

Allele frequency attached by ClinVar (database versions not stated): gnomAD 0.00014 and 0.00015; gnomAD exomes 0.00018 and 0.00024; TOPMed 0.00018; ExAC 0.00022; ESP Exome Variant Server 0.00031.
gnomAD v4.1: 378 of 1,613,888 alleles (0.023%); highest among the groups gnomAD compares: Middle Eastern, 0.05%; no homozygotes.

Submissions (15):

Myriad Genetics, Inc.
Classification: Uncertain significance for Wilson disease. Last evaluated: 2026-08-27. Review status: criteria provided, single submitter. Criteria: Myriad Autosomal Dominant, Autosomal Recessive and X-Linked Classification Criteria (2023). Collection method: clinical testing. Allele origin: unknown.
Comment: NM_000053.3(ATP7B):c.3583G>A(A1195T) is a missense variant classified as a variant of uncertain significance in the context of Wilson disease. A1195T has not been observed in cases with relevant disease. Relevant functional assessments of this variant are not available in the literature. A1195T has been observed in referenced population frequency databases. In summary, there is insufficient evidence to classify NM_000053.3(ATP7B):c.3583G>A(A1195T) as pathogenic or benign. Please note: this variant was assessed in the context of healthy population screening.

GeneDx
Classification: Uncertain significance. Last evaluated: 2026-05-14. Review status: criteria provided, single submitter. Criteria: GeneDx Variant Classification Process June 2021. Collection method: clinical testing. Allele origin: germline.
Comment: Reported previously as a heterozygous variant in a patient with a pituitary neuroendocrine tumor who also harbored a heterozygous variant in another gene (Ceren Alavanda et al. (2024) Clinical and Experimental Health Sciences. 14 (4) DOI 10.33808/clinexphealthsci.1444282); In silico analysis supports that this missense variant has a deleterious effect on protein structure/function; This variant is associated with the following publications: (PMID: Alavanda2024[article], 40661833)

Labcorp Genetics (formerly Invitae), Labcorp
Classification: Uncertain significance for Wilson disease. Last evaluated: 2026-01-14. Review status: criteria provided, single submitter. Criteria: Invitae Variant Classification Sherloc (09022015). Collection method: clinical testing. Allele origin: germline.
Comment: This sequence change replaces alanine, which is neutral and non-polar, with threonine, which is neutral and polar, at codon 1195 of the ATP7B protein (p.Ala1195Thr). This variant is present in population databases (rs202218969, gnomAD 0.04%). This variant has not been reported in the literature in individuals affected with ATP7B-related conditions. ClinVar contains an entry for this variant (Variation ID: 444317). Invitae Evidence Modeling of protein sequence and biophysical properties (such as structural, functional, and spatial information, amino acid conservation, physicochemical variation, residue mobility, and thermodynamic stability) indicates that this missense variant is not expected to disrupt ATP7B protein function with a negative predictive value of 80%. This variant disrupts the p.Ala1195 amino acid residue in ATP7B. Other variant(s) that disrupt this residue have been determined to be pathogenic (PMID: 27398169). This suggests that this residue is clinically significant, and that variants that disrupt this residue are likely to be disease-causing. In summary, the available evidence is currently insufficient to determine the role of this variant in disease. Therefore, it has been classified as a Variant of Uncertain Significance.

Color Diagnostics, LLC DBA Color Health
Classification: Uncertain significance for Wilson disease. Last evaluated: 2025-06-05. Review status: criteria provided, single submitter. Criteria: ACMG Guidelines, 2015. Collection method: clinical testing. Allele origin: germline.
Comment: This missense variant replaces alanine with threonine at codon 1195 of the ATP7B protein. Computational prediction is inconclusive regarding the impact of this variant on protein structure and function. To our knowledge, functional studies have not been reported for this variant. This variant has not been reported in individuals affected with ATP7B-related disorders in the literature. This variant has been identified in 51/280570 chromosomes in the general population by the Genome Aggregation Database (gnomAD). The available evidence is insufficient to determine the role of this variant in disease conclusively. Therefore, this variant is classified as a Variant of Uncertain Significance.

All of Us Research Program, National Institutes of Health
Classification: Uncertain significance for Wilson disease. Last evaluated: 2024-09-23. Review status: criteria provided, single submitter. Criteria: ACMG Guidelines, 2015. Collection method: clinical testing. Allele origin: germline. Inheritance: Autosomal recessive inheritance. Observed: 62 variant alleles, 62 heterozygotes.
Comment: This missense variant replaces alanine with threonine at codon 1195 of the ATP7B protein. Computational prediction is inconclusive regarding the impact of this variant on protein structure and function (internally defined REVEL score threshold 0.5 < inconclusive < 0.7, PMID: 27666373). To our knowledge, functional studies have not been reported for this variant. This variant has not been reported in individuals affected with ATP7B-related disorders in the literature. This variant has been identified in 51/280570 chromosomes in the general population by the Genome Aggregation Database (gnomAD). A different variant occurring at the same codon, p.Ala1195Val, is reported to be disease-causing (ClinVar variation ID: 1513874). The available evidence is insufficient to determine the role of this variant in disease conclusively. Therefore, this variant is classified as a Variant of Uncertain Significance.

This study involves interpretation of variants in research participants for the purpose of population health screening. Participant phenotype was not available at the time of variant classification. Additional details can be found in publication PMID: 35346344, PMCID: PMC8962531

Fulgent Genetics
Classification: Uncertain significance for Wilson disease. Last evaluated: 2024-04-17. Review status: criteria provided, single submitter. Criteria: ACMG Guidelines, 2015. Collection method: clinical testing. Allele origin: germline.

Mayo Clinic Laboratories, Mayo Clinic
Classification: Uncertain significance. Last evaluated: 2024-01-29. Review status: criteria provided, single submitter. Criteria: ACMG Guidelines, 2015. Collection method: clinical testing. Allele origin: germline. Observed: 1 variant allele.
Comment: PM2

Revvity Omics, Revvity
Classification: Uncertain significance for Wilson disease. Last evaluated: 2024-01-16. Review status: criteria provided, single submitter. Criteria: ACMG Guidelines, 2015. Collection method: clinical testing. Allele origin: germline.

Genome-Nilou Lab
Classification: Uncertain significance for Wilson disease. Last evaluated: 2021-09-05. Review status: criteria provided, single submitter. Criteria: ACMG Guidelines, 2015. Collection method: clinical testing. Allele origin: germline. Affected: no.

Illumina Laboratory Services, Illumina
Classification: Uncertain significance for Wilson disease. Last evaluated: 2018-01-13. Review status: criteria provided, single submitter. Criteria: ICSL Variant Classification Criteria 13 December 2019. Collection method: clinical testing. Allele origin: germline.

CeGaT Center for Human Genetics Tuebingen
Classification: Uncertain significance. Last evaluated: 2017-06-01. Review status: criteria provided, single submitter. Criteria: CeGaT Center For Human Genetics Tuebingen Variant Classification Criteria Version 2. Collection method: clinical testing. Allele origin: germline. Affected: yes. Observed: 1 variant allele.

Women's Health and Genetics/Laboratory Corporation of America, LabCorp
Classification: Uncertain significance. Last evaluated: 2017-01-20. Review status: criteria provided, single submitter. Criteria: LabCorp Variant Classification Summary - May 2015. Collection method: clinical testing. Allele origin: germline.
Comment: Variant summary: The ATP7B c.3583G>A (p.Ala1195Thr) variant located in the HAD-like domain (via InterPro) causes a missense change involving a conserved nucleotide, which 5/5 in silico tools predict a damaging outcome, although these predictions have yet to be functionally assessed. The variant of interest was observed in the large, broad control population, ExAC, with an allele frequency of 27/120586 (1/4466), which does not exceed the estimated maximal expected allele frequency for a pathogenic ATP7B variant of 1/185. The variant of interest has not, to our knowledge, been reported in affected individuals via publications and/or reputable databases/clinical diagnostic laboratories. Therefore, until additional information becomes available (ie, clinical and functional studies), the variant of interest has been classified as a "Variant of Uncertain Significance (VUS)."

Ambry Genetics
Classification: Uncertain significance for Inborn genetic diseases. Last evaluated: 2016-04-07. Review status: criteria provided, single submitter. Criteria: Ambry Variant Classification Scheme 2023. Collection method: clinical testing. Allele origin: germline.
Comment: The p.A1195T variant (also known as c.3583G>A), located in coding exon 17 of the ATP7B gene, results from a G to A substitution at nucleotide position 3583. The alanine at codon 1195 is replaced by threonine, an amino acid with similar properties. This variant was previously reported in the SNPDatabase as rs202218969. Based on data from the NHLBI Exome Sequencing Project (ESP), the A allele has an overall frequency of approximately 0.03% (4/12928) total alleles studied and 0.05% (4/8562) European American alleles. This amino acid position is well conserved in available vertebrate species. In addition, this alteration is predicted to be deleterious by in silico analysis. Since supporting evidence is limited at this time, the clinical significance of this variant remains unclear.

Natera, Inc.
Classification: Uncertain significance for Wilson disease. Last evaluated: 2020-01-24. Review status: no assertion criteria provided. Collection method: clinical testing. Allele origin: germline. Not counted in ClinVar's aggregate classification.

Department of Pathology and Laboratory Medicine, Sinai Health System
Classification: Uncertain significance. Review status: no assertion criteria provided. Collection method: clinical testing. Allele origin: unknown. Affected: yes. Study: The Canadian Open Genetics Repository (COGR). Not counted in ClinVar's aggregate classification.
Comment: The ATP7B p.Ala988Thr variant was not identified in the literature but was identified in dbSNP (ID: rs202218969), ClinVar (classified as uncertain significance by Integrated Genetics and CeGaT Praxis fuer Humangenetik Tuebingen), and LOVD 3.0. The variant was identified in control databases in 51 of 280570 chromosomes at a frequency of 0.0001818 (Genome Aggregation Database March 6, 2019, v2.1.1). The variant was observed in the following populations: European (non-Finnish) in 47 of 128614 chromosomes (freq: 0.000365) and African in 4 of 24224 chromosomes (freq: 0.000165), but was not observed in the Latino, Ashkenazi Jewish, East Asian, European (Finnish), Other, or South Asian populations. The p.Ala988 residue is conserved in mammals but not in more distantly related organisms however four out of five computational analyses (PolyPhen-2, SIFT, AlignGVGD, BLOSUM, MutationTaster) do not suggest a high likelihood of impact to the protein; this information is not predictive enough to rule out pathogenicity. The variant occurs outside of the splicing consensus sequence and in silico or computational prediction software programs (SpliceSiteFinder, MaxEntScan, NNSPLICE, GeneSplicer) do not predict a difference in splicing. In summary, based on the above information the clinical significance of this variant cannot be determined with certainty at this time. This variant is classified as a variant of uncertain significance.

Literature cited by the submitters: PubMed 27398169 (cited by Labcorp Genetics (formerly Invitae), Labcorp).

NM_000053.4(ATP7B):c.3583G>A (p.Ala1195Thr)

Gene: ATP7B (ATPase copper transporting beta; minus strand). Cytogenetic location: 13q14.3.
Variant type: single nucleotide variant.
Coding change: c.3583G>A on transcript NM_000053.4 (MANE Select); coding-DNA position 3583, G replaced by A.
Protein change: p.Ala1195Thr; replaces alanine 1195 with threonine.
Molecular consequence: missense variant.
Genome position (GRCh38, 1-based): chr13:51,939,167, C>T on the plus strand (G>A on the coding strand, the complement: ATP7B is on the minus strand). VCF-style: chr13-51939167-C-T. GRCh37 (hg19) VCF-style: chr13-52513303-C-T.
Other names: p.Ala1195Thr; c.2962G>A, p.Ala988Thr (NM_001005918.3); c.3250G>A, p.Ala1084Thr (NM_001243182.2); c.3349G>A, p.Ala1117Thr (NM_001330578.2); c.3331G>A, p.Ala1111Thr (NM_001330579.2); short protein forms A1195T, A1111T, A1117T, A1084T, A988T.
Identifiers: ClinVar variation 444317 (VCV000444317.65), dbSNP rs202218969, ClinGen allele CA6988629.